The following is an entry in ClinVar:

NM_015346.4(ZFYVE26):c.1271+1G>A

Gene: ZFYVE26 (zinc finger FYVE-type containing 26; minus strand). Cytogenetic location: 14q24.1.
Variant type: single nucleotide variant.
Coding change: c.1271+1G>A on transcript NM_015346.4 (MANE Select); the canonical splice donor site of the intron after coding-DNA position 1271, G replaced by A.
Molecular consequence: splice donor variant.
Genome position (GRCh38, 1-based): chr14:67,805,216, C>T on the plus strand (G>A on the coding strand, the complement: ZFYVE26 is on the minus strand). VCF-style: chr14-67805216-C-T. GRCh37 (hg19) VCF-style: chr14-68271933-C-T.
Identifiers: ClinVar variation 4922248 (VCV004922248.2).

ClinVar aggregate classification (germline): Likely pathogenic. Review status: criteria provided, multiple submitters, no conflicts (2 of 4 stars). 2 submissions from 2 submitters: Likely pathogenic (2). Last evaluated 2025-08-12.

Conditions:
Hereditary spastic paraplegia 15 (SPG15). Also called: SPASTIC PARAPLEGIA 15, AUTOSOMAL RECESSIVE; KJELLIN SYNDROME; SPASTIC PARAPLEGIA AND RETINAL DEGENERATION. Identifiers: Orphanet 100996, MedGen C1849128, MONDO:0010044, OMIM 270700.
ZFYVE26-related disorder. Also called: ZFYVE26-related condition.

gnomAD v4.1: 2 of 1,613,726 alleles (0.00012%); highest among the groups gnomAD compares: Non-Finnish European, 0.00017%; no homozygotes.

Submissions (2):

Myriad Genetics, Inc.
Classification: Likely pathogenic for Hereditary spastic paraplegia 15. Last evaluated: 2025-08-12. Review status: criteria provided, single submitter. Criteria: Myriad Autosomal Dominant, Autosomal Recessive and X-Linked Classification Criteria (2023). Collection method: clinical testing. Allele origin: unknown.
Comment: NM_015346.3(ZFYVE26):c.1271+1G>A is a variant in a canonical splice site classified as likely pathogenic in the context of spastic paraplegia type 15. c.1271+1G>A has not been observed in cases with relevant disease. Relevant functional assessments of this variant are not available in the literature. c.1271+1G>A has not been observed in referenced population frequency databases. In summary, NM_015346.3(ZFYVE26):c.1271+1G>A is a variant in a canonical splice site in a gene where loss of function is a known mechanism of disease and is predicted to disrupt protein function. Please note: this variant was assessed in the context of healthy population screening.

Blueprint Genetics
Classification: Likely pathogenic for ZFYVE26-related disorders. Last evaluated: 2024-11-15. Review status: criteria provided, single submitter. Criteria: ACMG Guidelines, 2015. Collection method: clinical testing. Allele origin: germline. Affected: yes. Observed: 3 variant alleles.